The following is an entry in ClinVar:

ClinVar aggregate classification (germline): Uncertain significance (1 of 4 stars; one submission).

Allele frequency attached by ClinVar (database versions not stated): gnomAD exomes below 0.00001; TOPMed below 0.00001.
gnomAD v4.1: 1 of 1,614,124 alleles (0.000062%); highest among the groups gnomAD compares: Non-Finnish European, 0.000085%; no homozygotes.

Submission:

Labcorp Genetics (formerly Invitae), Labcorp
Classification: Uncertain significance. Last evaluated: 2022-08-16. Review status: criteria provided, single submitter. Criteria: Invitae Variant Classification Sherloc (09022015). Collection method: clinical testing. Allele origin: germline.
Comment: This variant has not been reported in the literature in individuals affected with RP1-related conditions. This variant is not present in population databases (gnomAD no frequency). This sequence change replaces glycine, which is neutral and non-polar, with arginine, which is basic and polar, at codon 437 of the RP1 protein (p.Gly437Arg). In summary, the available evidence is currently insufficient to determine the role of this variant in disease. Therefore, it has been classified as a Variant of Uncertain Significance. Algorithms developed to predict the effect of missense changes on protein structure and function output the following: SIFT: "Tolerated"; PolyPhen-2: "Benign"; Align-GVGD: "Class C0". The arginine amino acid residue is found in multiple mammalian species, which suggests that this missense change does not adversely affect protein function.

NM_006269.2(RP1):c.1309G>A (p.Gly437Arg)

Gene: RP1 (RP1 axonemal microtubule associated; plus strand). Cytogenetic location: 8q12.1.
Variant type: single nucleotide variant.
Coding change: c.1309G>A on transcript NM_006269.2 (MANE Select); coding-DNA position 1309, G replaced by A.
Protein change: p.Gly437Arg; replaces glycine 437 with arginine.
Molecular consequence: missense variant. On other transcripts: intron variant (1).
Genome position (GRCh38, 1-based): chr8:54,625,191, G>A. VCF-style: chr8-54625191-G-A. GRCh37 (hg19) VCF-style: chr8-55537751-G-A.
Other names: c.787+2903G>A (NM_001375654.1); short protein forms G437R.
Identifiers: ClinVar variation 2122196 (VCV002122196.4), dbSNP rs867023037, ClinGen allele CA177236686.